The following is an entry in ClinVar:

ClinVar aggregate classification (germline): Likely benign. Review status: criteria provided, multiple submitters, no conflicts (2 of 4 stars). 2 submissions from 2 submitters: Likely benign (2). Last evaluated 2023-03-04.

Conditions:
Spastic paraplegia. Identifiers: MedGen C0037772, HP:0001258.

gnomAD v4.1: 1 of 1,605,214 alleles (0.000062%); highest among the groups gnomAD compares: African/African-American, 0.0013%; no homozygotes.

Submissions (2):

Labcorp Genetics (formerly Invitae), Labcorp
Classification: Likely benign for Spastic paraplegia. Last evaluated: 2023-03-04. Review status: criteria provided, single submitter. Criteria: Invitae Variant Classification Sherloc (09022015). Collection method: clinical testing. Allele origin: germline.

CeGaT Center for Human Genetics Tuebingen
Classification: Likely benign. Last evaluated: 2023-01-01. Review status: criteria provided, single submitter. Criteria: CeGaT Center For Human Genetics Tuebingen Variant Classification Criteria Version 2. Collection method: clinical testing. Allele origin: germline. Affected: yes. Observed: 1 variant allele.
Comment: SACS: PM2:Supporting, BP4, BP7

NM_014363.6(SACS):c.2538A>G (p.Lys846=)

Gene: SACS (sacsin molecular chaperone; minus strand). Cytogenetic location: 13q12.12.
Variant type: single nucleotide variant.
Coding change: c.2538A>G on transcript NM_014363.6 (MANE Select); coding-DNA position 2538, A replaced by G.
Protein change: p.Lys846=; no amino-acid change (lysine 846 retained).
Molecular consequence: synonymous variant.
Genome position (GRCh38, 1-based): chr13:23,341,338, T>C on the plus strand (A>G on the coding strand, the complement: SACS is on the minus strand). VCF-style: chr13-23341338-T-C. GRCh37 (hg19) VCF-style: chr13-23915477-T-C.
Other names: c.2097A>G, p.Lys699= (NM_001278055.2).
Identifiers: ClinVar variation 1458719 (VCV001458719.31), dbSNP rs1869196715, ClinGen allele CA483163951.
Genomic context (GRCh38, chr13:23,341,338, plus strand): 5'-TTTTTTAATAAGCGGATGTTGTATAGATGCATCTAATTTTTTAAGGACAAACCCTCCAAG[T>C]TTTTGTACAATGTCTGCTAAAAATTCTGGAAGCTGTGCTTCAGATTCATCGTCTAAAATG-3'
Protein context (NP_055178.3, residues 836-856): LPEFLADIVQ[Lys846=]LGGFVLKKLD